The following is an entry in ClinVar:

NM_001903.5(CTNNA1):c.106-4_106-3del

Gene: CTNNA1 (catenin alpha 1; plus strand). Cytogenetic location: 5q31.2.
Variant type: Deletion.
Coding change: c.106-4_106-3del on transcript NM_001903.5 (MANE Select); 4 bases into the intron before coding-DNA position 106 through 3 bases into the intron before coding-DNA position 106, 2 bases deleted (TT; older notation c.106-4_106-3delTT).
Molecular consequence: intron variant.
Genome position (GRCh38, 1-based): chr5:138,783,173-138,783,174, TT deleted; deleting any 2 consecutive bases within chr5:138,783,171-138,783,174 gives the same sequence; the c. name uses the placement nearest the transcript's 3' end. VCF-style (leftmost placement, unchanged base first): chr5-138783170-CTT-C. GRCh37 (hg19) VCF-style: chr5-138118859-CTT-C.
Other names: c.106-4_106-3del (NM_001323982.2, NM_001323984.2, NM_001290307.3 and 3 more transcripts); c.-101-4_-101-3del (NM_001290310.3); c.-9+1144_-9+1145del (NM_001290309.3).
Identifiers: ClinVar variation 857022 (VCV000857022.9), dbSNP rs1755317978, ClinGen allele CA916082780.

ClinVar aggregate classification (germline): Uncertain significance (1 of 4 stars; one submission).

Submission:

Labcorp Genetics (formerly Invitae), Labcorp
Classification: Uncertain significance. Last evaluated: 2019-01-21. Review status: criteria provided, single submitter. Criteria: Invitae Variant Classification Sherloc (09022015). Collection method: clinical testing. Allele origin: germline.
Comment: In summary, the available evidence is currently insufficient to determine the role of this variant in disease. Therefore, it has been classified as a Variant of Uncertain Significance. Algorithms developed to predict the effect of sequence changes on RNA splicing suggest that this variant may disrupt the consensus splice site, but this prediction has not been confirmed by published transcriptional studies. This variant has not been reported in the literature in individuals with CTNNA1-related conditions. This variant is not present in population databases (ExAC no frequency). This sequence change falls in intron 2 of the CTNNA1 gene. It does not directly change the encoded amino acid sequence of the CTNNA1 protein.